The following is an entry in ClinVar:

ClinVar aggregate classification (germline): Uncertain significance (1 of 4 stars; one submission).

Submission:

GeneDx
Classification: Uncertain significance. Last evaluated: 2024-07-27. Review status: criteria provided, single submitter. Criteria: GeneDx Variant Classification Process June 2021. Collection method: clinical testing. Allele origin: germline. Affected: yes.
Comment: Not observed at significant frequency in large population cohorts (gnomAD); In silico analysis supports that this missense variant has a deleterious effect on protein structure/function; Has not been previously published as pathogenic or benign to our knowledge

NM_003070.5(SMARCA2):c.1373A>T (p.His458Leu)

Gene: SMARCA2 (SWI/SNF related BAF chromatin remodeling complex subunit ATPase 2; plus strand). Cytogenetic location: 9p24.3.
Variant type: single nucleotide variant.
Coding change: c.1373A>T on transcript NM_003070.5 (MANE Select); coding-DNA position 1373, A replaced by T.
Protein change: p.His458Leu; replaces histidine 458 with leucine.
Molecular consequence: missense variant.
Genome position (GRCh38, 1-based): chr9:2,058,316, A>T. VCF-style: chr9-2058316-A-T. GRCh37 (hg19) VCF-style: chr9-2058316-A-T.
Other names: c.1373A>T, p.His458Leu (NM_001289396.2, NM_001289397.2, NM_139045.4); short protein forms H458L.
Identifiers: ClinVar variation 3600599 (VCV003600599.1).